The following is an entry in ClinVar:

ClinVar aggregate classification (germline): Benign (1 of 4 stars; one submission).

Allele frequency attached by ClinVar (database versions not stated): 1000 Genomes Project 0.02995; 1000 Genomes Project 30x 0.03107; gnomAD 0.05231 and 0.05554; TOPMed 0.05415.
gnomAD v4.1: 8,025 of 152,092 alleles (5.3%); highest among the groups gnomAD compares: Middle Eastern, 6.5%; 248 homozygotes.

Submission:

GeneDx
Classification: Benign. Last evaluated: 2018-06-14. Review status: criteria provided, single submitter. Criteria: GeneDx Variant Classification (06012015). Collection method: clinical testing. Allele origin: germline. Affected: yes.
Comment: This variant is considered likely benign or benign based on one or more of the following criteria: it is a conservative change, it occurs at a poorly conserved position in the protein, it is predicted to be benign by multiple in silico algorithms, and/or has population frequency not consistent with disease.

NM_032578.4(MYPN):c.3159-225G>C

Gene: MYPN (myopalladin; plus strand). Cytogenetic location: 10q21.3.
Variant type: single nucleotide variant.
Coding change: c.3159-225G>C on transcript NM_032578.4 (MANE Select); 225 bases into the intron before coding-DNA position 3159, G replaced by C.
Molecular consequence: intron variant.
Genome position (GRCh38, 1-based): chr10:68,197,127, G>C. VCF-style: chr10-68197127-G-C. GRCh37 (hg19) VCF-style: chr10-69956884-G-C.
Other names: c.3159-225G>C (NM_001256267.2); c.2277-225G>C (NM_001256268.2).
Identifiers: ClinVar variation 678620 (VCV000678620.1), dbSNP rs116829480, ClinGen allele CA13193340.